The following is an entry in ClinVar:

ClinVar aggregate classification (germline): Uncertain significance (1 of 4 stars; one submission).

Conditions:
Hereditary breast ovarian cancer syndrome. Also called: Hereditary breast and ovarian cancer syndrome (HBOC); Hereditary breast and/or ovarian cancer syndrome; BRCA1- and BRCA2-Associated Hereditary Breast and Ovarian Cancer; Hereditary breast and ovarian cancer syndrome; Hereditary breast and ovarian cancer; Breast and ovarian cancer. Identifiers: Orphanet 145, MedGen C0677776, MeSH D061325, MONDO:0003582. Disease mechanism: loss of function.

Submission:

Labcorp Genetics (formerly Invitae), Labcorp
Classification: Uncertain significance for Hereditary breast ovarian cancer syndrome. Last evaluated: 2015-11-26. Review status: criteria provided, single submitter. Criteria: Invitae Variant Classification Sherloc (09022015). Collection method: clinical testing. Allele origin: germline.
Comment: This variant is a gross duplication of the genomic region encompassing exon 2 of the BRCA1 gene. The 3' boundary is likely confined to the intronic region between exons 2 and 3. The 5' end of this event is unknown as it extends beyond the assayed region for this gene and therefore may encompass additional genes. Gross duplications that include exons 1 and 2 of the BRCA1 gene have been reported in individuals with breast and/or ovarian cancer (PMID: 19894111, 23996866, 24686251). Segregation with disease or impact on BRCA1 function of these duplications have not been reported, and their breakpoints relative to this duplication are not known. Because the exact position of the duplicated exon cannot be determined from this data, the effects on BRCA1 mRNA expression and protein function are unknown. Therefore, it has been classified as a Variant of Uncertain Significance.

NM_007294.3(BRCA1):c.-19-?_80+?dup

Gene: BRCA1 (BRCA1 DNA repair associated; minus strand).
Variant type: Duplication.
Coding change: c.-19-?_80+?dup on transcript NM_007294.3.
Other names: c.-19-?_80+?dup (LRG_292t1).
Identifiers: ClinVar variation 254036 (VCV000254036.1).